The following is an entry in ClinVar:

ClinVar aggregate classification (germline): Uncertain significance. Review status: criteria provided, multiple submitters, no conflicts (2 of 4 stars). 2 submissions from 2 submitters: Uncertain significance (2). Last evaluated 2025-11-20.

Conditions:
Hereditary cancer-predisposing syndrome. Also called: Tumor predisposition; Hereditary neoplastic syndrome; Neoplastic Syndromes, Hereditary; Hereditary Cancer Syndrome. Identifiers: Orphanet 140162, MedGen C0027672, MeSH D009386, MONDO:0015356.
Retinoblastoma (RB1). Also called: RETINOBLASTOMA, SOMATIC. Identifiers: Orphanet 790, MedGen C0035335, MeSH D012175, MONDO:0008380, OMIM 180200, HP:0009919. Disease mechanism: loss of function. Inheritance: Both sporadic and heritable forms are tested..

Submissions (2):

Ambry Genetics
Classification: Uncertain significance for Hereditary cancer-predisposing syndrome. Last evaluated: 2025-11-20. Review status: criteria provided, single submitter. Criteria: Ambry Variant Classification Scheme 2023. Collection method: clinical testing. Allele origin: germline.
Comment: The p.N328K variant (also known as c.984T>A), located in coding exon 10 of the RB1 gene, results from a T to A substitution at nucleotide position 984. The asparagine at codon 328 is replaced by lysine, an amino acid with similar properties. This amino acid position is well conserved in available vertebrate species. In addition, this alteration is predicted to be tolerated by in silico analysis. Based on the available evidence, the clinical significance of this variant remains unclear.

Labcorp Genetics (formerly Invitae), Labcorp
Classification: Uncertain significance for Retinoblastoma. Last evaluated: 2023-07-19. Review status: criteria provided, single submitter. Criteria: Invitae Variant Classification Sherloc (09022015). Collection method: clinical testing. Allele origin: germline.
Comment: This sequence change replaces asparagine, which is neutral and polar, with lysine, which is basic and polar, at codon 328 of the RB1 protein (p.Asn328Lys). This variant is not present in population databases (gnomAD no frequency). This variant has not been reported in the literature in individuals affected with RB1-related conditions. ClinVar contains an entry for this variant (Variation ID: 1009471). Advanced modeling of protein sequence and biophysical properties (such as structural, functional, and spatial information, amino acid conservation, physicochemical variation, residue mobility, and thermodynamic stability) performed at Invitae indicates that this missense variant is not expected to disrupt RB1 protein function. In summary, the available evidence is currently insufficient to determine the role of this variant in disease. Therefore, it has been classified as a Variant of Uncertain Significance.

Literature cited by the submitters: PubMed 31772335 (cited by Ambry Genetics).

NM_000321.3(RB1):c.984T>A (p.Asn328Lys)

Gene: RB1 (RB transcriptional corepressor 1; plus strand). Cytogenetic location: 13q14.2.
Variant type: single nucleotide variant.
Coding change: c.984T>A on transcript NM_000321.3 (MANE Select); coding-DNA position 984, T replaced by A.
Protein change: p.Asn328Lys; replaces asparagine 328 with lysine.
Molecular consequence: missense variant.
Genome position (GRCh38, 1-based): chr13:48,367,538, T>A. VCF-style: chr13-48367538-T-A. GRCh37 (hg19) VCF-style: chr13-48941674-T-A.
Other names: short protein forms N328K.
Identifiers: ClinVar variation 1009471 (VCV001009471.12), dbSNP rs1952716275, ClinGen allele CA388160718.